The following is an entry in ClinVar:

ClinVar aggregate classification (germline): Uncertain significance (1 of 4 stars; one submission).

Conditions:
Cardiovascular phenotype. Identifiers: MedGen CN230736.

gnomAD v4.1: 16 of 1,547,420 alleles (0.001%); highest among the groups gnomAD compares: Non-Finnish European, 0.0014%; no homozygotes.

Submission:

Ambry Genetics
Classification: Uncertain significance for Cardiovascular phenotype. Last evaluated: 2025-08-02. Review status: criteria provided, single submitter. Criteria: Ambry Variant Classification Scheme 2023. Collection method: clinical testing. Allele origin: germline.
Comment: The p.M63L variant (also known as c.187A>T), located in coding exon 1 of the CBL gene, results from an A to T substitution at nucleotide position 187. The methionine at codon 63 is replaced by leucine, an amino acid with highly similar properties. This amino acid position is conserved. In addition, the in silico prediction for this alteration is inconclusive. Based on the available evidence, the clinical significance of this variant remains unclear.

NM_005188.4(CBL):c.187A>T (p.Met63Leu)

Genes: CBL (Cbl proto-oncogene; plus strand), LOC130006895 (ATAC-STARR-seq lymphoblastoid silent region 3975; plus strand). Cytogenetic location: 11q23.3.
Variant type: single nucleotide variant.
Coding change: c.187A>T on transcript NM_005188.4 (MANE Select); coding-DNA position 187, A replaced by T.
Protein change: p.Met63Leu; replaces methionine 63 with leucine.
Molecular consequence: missense variant.
Genome position (GRCh38, 1-based): chr11:119,206,604, A>T. VCF-style: chr11-119206604-A-T. GRCh37 (hg19) VCF-style: chr11-119077314-A-T.
Other names: short protein forms M63L.
Identifiers: ClinVar variation 4219887 (VCV004219887.1).